The following is an entry in ClinVar:

NM_002485.5(NBN):c.2160dup (p.Glu721fs)

Gene: NBN (nibrin; minus strand). Cytogenetic location: 8q21.3.
Variant type: Duplication.
Coding change: c.2160dup on transcript NM_002485.5 (MANE Select); coding-DNA position 2160, one base duplicated (A; older notation c.2160dupA).
Protein change: p.Glu721fs; shifts the reading frame from glutamic acid 721.
Molecular consequence: frameshift variant.
Genome position (GRCh38, 1-based): chr8:89,943,277, T duplicated on the plus strand (A on the coding strand, the reverse complement: NBN is on the minus strand); the first of 2 consecutive T bases (chr8:89,943,277-89,943,278); duplicating either gives the same sequence. VCF-style (leftmost placement, unchanged base first): chr8-89943276-C-CT. GRCh37 (hg19) VCF-style: chr8-90955504-C-CT.
Other names: c.1914dup, p.Glu639fs (NM_001024688.3); short protein forms E639fs, E721fs.
Identifiers: ClinVar variation 2824690 (VCV002824690.3), dbSNP rs2488190937, ClinGen allele CA2739268859.
Genomic context (GRCh38, chr8:89,943,276, plus strand): 5'-AATTTAAGCAAGTTTCTGGGCCTCACTTCCTACTAACCTCCATTTCCTGCCTTAGCCACT[C>CT]TTCTAGTTCTGTATTCTTTCGAGCATGATGAGCTATTAGATCTGATCCTCCAATGATGTG-3'

ClinVar aggregate classification (germline): Likely pathogenic (1 of 4 stars; one submission).

Conditions:
Microcephaly, normal intelligence and immunodeficiency (NBS). Also called: SEEMANOVA SYNDROME II; IMMUNODEFICIENCY, MICROCEPHALY, AND CHROMOSOMAL INSTABILITY; Nijmegen breakage syndrome; Microcephaly with normal intelligence immunodeficiency and lymphoreticular malignancies; Nonsyndromal microcephaly autosomal recessive with normal intelligence; Seemanova syndrome 2. Identifiers: Orphanet 647, MedGen C0398791, MONDO:0009623, OMIM 251260.

Submission:

Labcorp Genetics (formerly Invitae), Labcorp
Classification: Likely pathogenic for Microcephaly, normal intelligence and immunodeficiency. Last evaluated: 2022-12-29. Review status: criteria provided, single submitter. Criteria: Invitae Variant Classification Sherloc (09022015). Collection method: clinical testing. Allele origin: germline.
Comment: In summary, the currently available evidence indicates that the variant is pathogenic, but additional data are needed to prove that conclusively. Therefore, this variant has been classified as Likely Pathogenic. This sequence change creates a premature translational stop signal (p.Glu721Argfs*21) in the NBN gene. While this is not anticipated to result in nonsense mediated decay, it is expected to disrupt the last 34 amino acid(s) of the NBN protein. This variant is not present in population databases (gnomAD no frequency). This variant has not been reported in the literature in individuals affected with NBN-related conditions. This variant disrupts the ATM interaction domain of the NBN protein (PMID: 24894818, 21035407), which is important for activating ATM in the double-strand break repair pathway (PMID: 15964794, 15048089). While functional studies have not been performed to directly test the effect of this variant on NBN protein function, this suggests that disruption of this region of the protein is causative of disease.

Literature cited by the submitters: PubMed 24894818; PubMed 21035407; PubMed 15964794; PubMed 15048089.